The following is an entry in ClinVar:

NM_001369268.1(ACAN):c.1204A>G (p.Lys402Glu)

Gene: ACAN (aggrecan; plus strand). Cytogenetic location: 15q26.1.
Variant type: single nucleotide variant.
Coding change: c.1204A>G on transcript NM_001369268.1 (MANE Select); coding-DNA position 1204, A replaced by G.
Protein change: p.Lys402Glu; replaces lysine 402 with glutamic acid.
Molecular consequence: missense variant.
Genome position (GRCh38, 1-based): chr15:88,845,657, A>G. VCF-style: chr15-88845657-A-G. GRCh37 (hg19) VCF-style: chr15-89388888-A-G.
Other names: c.1204A>G, p.Lys402Glu (NM_001135.4, NM_001411096.1, NM_001411097.1 and 1 more transcripts); short protein forms K402E.
Identifiers: ClinVar variation 2873416 (VCV002873416.3), dbSNP rs554949381, ClinGen allele CA274470590.

ClinVar aggregate classification (germline): Uncertain significance (1 of 4 stars; one submission).

Allele frequency attached by ClinVar (database versions not stated): 1000 Genomes Project 0.00020; TOPMed below 0.00001; gnomAD 0.00001; 1000 Genomes Project 30x 0.00016.
gnomAD v4.1: 2 of 1,614,042 alleles (0.00012%); highest among the groups gnomAD compares: African/African-American, 0.0027%; no homozygotes.

Submission:

Labcorp Genetics (formerly Invitae), Labcorp
Classification: Uncertain significance. Last evaluated: 2025-03-31. Review status: criteria provided, single submitter. Criteria: Invitae Variant Classification Sherloc (09022015). Collection method: clinical testing. Allele origin: germline.
Comment: This sequence change replaces lysine, which is basic and polar, with glutamic acid, which is acidic and polar, at codon 402 of the ACAN protein (p.Lys402Glu). This variant is present in population databases (rs554949381, gnomAD 0.007%). This variant has not been reported in the literature in individuals affected with ACAN-related conditions. ClinVar contains an entry for this variant (Variation ID: 2873416). Invitae Evidence Modeling of protein sequence and biophysical properties (such as structural, functional, and spatial information, amino acid conservation, physicochemical variation, residue mobility, and thermodynamic stability) indicates that this missense variant is not expected to disrupt ACAN protein function with a negative predictive value of 80%. In summary, the available evidence is currently insufficient to determine the role of this variant in disease. Therefore, it has been classified as a Variant of Uncertain Significance.